The following is an entry in ClinVar:

ClinVar aggregate classification (germline): Uncertain significance (1 of 4 stars; one submission).

Allele frequency attached by ClinVar (database versions not stated): gnomAD exomes below 0.00001.
gnomAD v4.1: 2 of 1,612,606 alleles (0.00012%); highest among the groups gnomAD compares: Admixed American, 0.0017%; no homozygotes.

Submission:

Labcorp Genetics (formerly Invitae), Labcorp
Classification: Uncertain significance. Last evaluated: 2022-08-23. Review status: criteria provided, single submitter. Criteria: Invitae Variant Classification Sherloc (09022015). Collection method: clinical testing. Allele origin: germline.
Comment: In summary, the available evidence is currently insufficient to determine the role of this variant in disease. Therefore, it has been classified as a Variant of Uncertain Significance. Algorithms developed to predict the effect of missense changes on protein structure and function (SIFT, PolyPhen-2, Align-GVGD) all suggest that this variant is likely to be disruptive. ClinVar contains an entry for this variant (Variation ID: 1480200). This variant has not been reported in the literature in individuals affected with PDE6B-related conditions. This variant is not present in population databases (gnomAD no frequency). This sequence change replaces histidine, which is basic and polar, with tyrosine, which is neutral and polar, at codon 658 of the PDE6B protein (p.His658Tyr).

NM_000283.4(PDE6B):c.1972C>T (p.His658Tyr)

Gene: PDE6B (phosphodiesterase 6B; plus strand). Cytogenetic location: 4p16.3.
Variant type: single nucleotide variant.
Coding change: c.1972C>T on transcript NM_000283.4 (MANE Select); coding-DNA position 1972, C replaced by T.
Protein change: p.His658Tyr; replaces histidine 658 with tyrosine.
Molecular consequence: missense variant.
Genome position (GRCh38, 1-based): chr4:663,821, C>T. VCF-style: chr4-663821-C-T. GRCh37 (hg19) VCF-style: chr4-657610-C-T.
Other names: c.1972C>T, p.His658Tyr (NM_001145291.2); c.1135C>T, p.His379Tyr (NM_001145292.2, NM_001350154.3, NM_001379246.1 and 1 more transcripts); c.817C>T, p.His273Tyr (NM_001350155.3); short protein forms H379Y, H658Y, H273Y.
Identifiers: ClinVar variation 1480200 (VCV001480200.8), dbSNP rs2109262780, ClinGen allele CA355918387.